The following is an entry in ClinVar:

ClinVar aggregate classification (germline): Uncertain significance. Review status: criteria provided, multiple submitters, no conflicts (2 of 4 stars). 2 submissions from 2 submitters: Uncertain significance (2). Last evaluated 2022-08-22.

Conditions:
Inborn genetic diseases. Identifiers: MedGen C0950123, MeSH D030342.

Allele frequency attached by ClinVar (database versions not stated): gnomAD exomes below 0.00001; TOPMed 0.00001.

Submissions (2):

GeneDx
Classification: Uncertain significance. Last evaluated: 2022-08-22. Review status: criteria provided, single submitter. Criteria: GeneDx Variant Classification Process June 2021. Collection method: clinical testing. Allele origin: germline. Affected: yes.
Comment: Not observed at significant frequency in large population cohorts (gnomAD); In silico analysis supports that this missense variant does not alter protein structure/function; Has not been previously published as pathogenic or benign to our knowledge

Ambry Genetics
Classification: Uncertain significance for Inborn genetic diseases. Last evaluated: 2021-07-09. Review status: criteria provided, single submitter. Criteria: Ambry Variant Classification Scheme 2023. Collection method: clinical testing. Allele origin: germline.

NM_001009944.3(PKD1):c.1198C>G (p.Arg400Gly)

Gene: PKD1 (polycystin 1, transient receptor potential channel interacting; minus strand). Cytogenetic location: 16p13.3.
Variant type: single nucleotide variant.
Coding change: c.1198C>G on transcript NM_001009944.3 (MANE Select); coding-DNA position 1198, C replaced by G.
Protein change: p.Arg400Gly; replaces arginine 400 with glycine.
Molecular consequence: missense variant.
Genome position (GRCh38, 1-based): chr16:2,117,794, G>C on the plus strand (C>G on the coding strand, the complement: PKD1 is on the minus strand). VCF-style: chr16-2117794-G-C. GRCh37 (hg19) VCF-style: chr16-2167795-G-C.
Other names: c.1198C>G, p.Arg400Gly (NM_000296.4); short protein forms R400G.
Identifiers: ClinVar variation 2235886 (VCV002235886.3), dbSNP rs774453006, ClinGen allele CA7833587.